The following is an entry in ClinVar:

NM_004999.4(MYO6):c.616T>C (p.Phe206Leu)

Gene: MYO6 (myosin VI; plus strand). Cytogenetic location: 6q14.1.
Variant type: single nucleotide variant.
Coding change: c.616T>C on transcript NM_004999.4 (MANE Select); coding-DNA position 616, T replaced by C.
Protein change: p.Phe206Leu; replaces phenylalanine 206 with leucine.
Molecular consequence: missense variant. On other transcripts: non-coding transcript variant (2).
Genome position (GRCh38, 1-based): chr6:75,840,647, T>C. VCF-style: chr6-75840647-T-C. GRCh37 (hg19) VCF-style: chr6-76550364-T-C.
Other names: c.616T>C, p.Phe206Leu (NM_001300899.2, NM_001368136.1, NM_001368137.1 and 4 more transcripts); c.601T>C, p.Phe201Leu (NM_001368138.1); short protein forms F201L, F206L.
Identifiers: ClinVar variation 4681905 (VCV004681905.5).

ClinVar aggregate classification (germline): Uncertain significance (1 of 4 stars; one submission).

Submission:

CeGaT Center for Human Genetics Tuebingen
Classification: Uncertain significance. Last evaluated: 2025-12-01. Review status: criteria provided, single submitter. Criteria: CeGaT Center For Human Genetics Tuebingen Variant Classification Criteria Version 2. Collection method: clinical testing. Allele origin: germline. Affected: yes. Observed: 1 variant allele.
Comment: MYO6: PM2, PP3